The following is an entry in ClinVar:

ClinVar aggregate classification (germline): Uncertain significance (1 of 4 stars; one submission).

Conditions:
NOTCH1-related disorder. Also called: NOTCH1-related disorders; NOTCH1-related condition.

Submission:

PreventionGenetics, part of Exact Sciences
Classification: Uncertain significance for NOTCH1-related condition. Last evaluated: 2025-02-14. Review status: criteria provided, single submitter. Criteria: ACMG Guidelines, 2015. Collection method: clinical testing. Allele origin: germline.
Comment: The NOTCH1 c.6254C>A variant is predicted to result in the amino acid substitution p.Ala2085Asp. To our knowledge, this variant has not been reported in the literature or in a large population database (gnomAD), indicating this variant is rare. At this time, the clinical significance of this variant is uncertain due to the absence of conclusive functional and genetic evidence.

NM_017617.5(NOTCH1):c.6254C>A (p.Ala2085Asp)

Gene: NOTCH1 (notch receptor 1; minus strand). Cytogenetic location: 9q34.3.
Variant type: single nucleotide variant.
Coding change: c.6254C>A on transcript NM_017617.5 (MANE Select); coding-DNA position 6254, C replaced by A.
Protein change: p.Ala2085Asp; replaces alanine 2085 with aspartic acid.
Molecular consequence: missense variant.
Genome position (GRCh38, 1-based): chr9:136,497,485, G>T on the plus strand (C>A on the coding strand, the complement: NOTCH1 is on the minus strand). VCF-style: chr9-136497485-G-T. GRCh37 (hg19) VCF-style: chr9-139391937-G-T.
Other names: short protein forms A2085D.
Identifiers: ClinVar variation 5002171 (VCV005002171.1).